The following is an entry in ClinVar:

ClinVar aggregate classification (germline): Benign. Review status: criteria provided, multiple submitters, no conflicts (2 of 4 stars). 3 submissions from 3 submitters: Benign (2). 1 of the submissions does not count toward it. Last evaluated 2018-11-14.

Conditions:
PTPRT-related disorder. Also called: PTPRT-related condition.

Allele frequency attached by ClinVar (database versions not stated): 1000 Genomes Project 30x 0.00125; ESP Exome Variant Server 0.00332; gnomAD exomes 0.00419 and 0.00382; ExAC 0.00427; gnomAD 0.00384 and 0.00373; 1000 Genomes Project 0.00140; TOPMed 0.00271.
gnomAD v4.1: 6,639 of 1,613,660 alleles (0.41%); highest among the groups gnomAD compares: Non-Finnish European, 0.44%; 29 homozygotes.

Submissions (3):

Labcorp Genetics (formerly Invitae), Labcorp
Classification: Benign. Last evaluated: 2018-11-14. Review status: criteria provided, single submitter. Criteria: Invitae Variant Classification Sherloc (09022015). Collection method: clinical testing. Allele origin: germline.

Breakthrough Genomics
Classification: Benign. Review status: criteria provided, single submitter. Criteria: ACMG Guidelines, 2015. Collection method: not provided. Allele origin: germline. Inheritance: Unknown mechanism. Affected: yes.

PreventionGenetics, part of Exact Sciences
Classification: Benign for PTPRT-related condition. Last evaluated: 2019-11-20. Review status: no assertion criteria provided. Collection method: clinical testing. Allele origin: germline. Not counted in ClinVar's aggregate classification.
Comment: This variant is classified as benign based on ACMG/AMP sequence variant interpretation guidelines (Richards et al. 2015 PMID: 25741868, with internal and published modifications).

NM_007050.6(PTPRT):c.2993T>C (p.Val998Ala)

Gene: PTPRT (protein tyrosine phosphatase receptor type T; minus strand). Cytogenetic location: 20q12.
Variant type: single nucleotide variant.
Coding change: c.2993T>C on transcript NM_007050.6 (MANE Select); coding-DNA position 2993, T replaced by C.
Protein change: p.Val998Ala; replaces valine 998 with alanine.
Molecular consequence: missense variant.
Genome position (GRCh38, 1-based): chr20:42,115,305, A>G on the plus strand (T>C on the coding strand, the complement: PTPRT is on the minus strand). VCF-style: chr20-42115305-A-G. GRCh37 (hg19) VCF-style: chr20-40743945-A-G.
Other names: c.3050T>C, p.Val1017Ala (NM_133170.4); short protein forms V998A, V1017A.
Identifiers: ClinVar variation 780075 (VCV000780075.6), dbSNP rs41310016, ClinGen allele CA9864028.